The following is an entry in ClinVar:

ClinVar aggregate classification (germline): Conflicting classifications of pathogenicity. Review status: criteria provided, conflicting classifications (1 of 4 stars). 3 submissions from 3 submitters: Uncertain significance (2); Likely benign (1). Last evaluated 2026-08-19.

Conditions:
Hereditary cancer-predisposing syndrome. Also called: Hereditary Cancer Syndrome; Neoplastic Syndromes, Hereditary; Hereditary neoplastic syndrome; Tumor predisposition. Identifiers: Orphanet 140162, MedGen C0027672, MeSH D009386, MONDO:0015356.
Hereditary nonpolyposis colorectal neoplasms. Identifiers: MedGen C0009405, MeSH D003123.

Submissions (3):

Ambry Genetics
Classification: Likely benign for Hereditary cancer-predisposing syndrome. Last evaluated: 2026-08-19. Review status: criteria provided, single submitter. Criteria: Ambry Variant Classification Scheme 2023. Collection method: clinical testing. Allele origin: germline.

Women's Health and Genetics/Laboratory Corporation of America, LabCorp
Classification: Uncertain significance. Last evaluated: 2022-06-17. Review status: criteria provided, single submitter. Criteria: LabCorp Variant Classification Summary - May 2015. Collection method: clinical testing. Allele origin: germline.
Comment: Variant summary: MSH6 c.1006A>G (p.Thr336Ala) results in a non-conservative amino acid change in the encoded protein sequence. Four of five in-silico tools predict a benign effect of the variant on protein function. The variant was absent in 251354 control chromosomes (gnomAD). The available data on variant occurrences in the general population are insufficient to allow any conclusion about variant significance. To our knowledge, no occurrence of c.1006A>G in individuals affected with Lynch Syndrome and no experimental evidence demonstrating its impact on protein function have been reported. One clinical diagnostic laboratory has submitted a clinical-significance assessment for this variant to ClinVar after 2014 and classified the variant as uncertain significance. Based on the evidence outlined above, the variant was classified as uncertain significance.

Labcorp Genetics (formerly Invitae), Labcorp
Classification: Uncertain significance for Hereditary nonpolyposis colorectal neoplasms. Last evaluated: 2021-06-10. Review status: criteria provided, single submitter. Criteria: Invitae Variant Classification Sherloc (09022015). Collection method: clinical testing. Allele origin: germline.
Comment: In summary, the available evidence is currently insufficient to determine the role of this variant in disease. Therefore, it has been classified as a Variant of Uncertain Significance. Advanced modeling of protein sequence and biophysical properties (such as structural, functional, and spatial information, amino acid conservation, physicochemical variation, residue mobility, and thermodynamic stability) performed at Invitae indicates that this missense variant is not expected to disrupt MSH6 protein function. This variant has not been reported in the literature in individuals with MSH6-related conditions. This variant is not present in population databases (ExAC no frequency). This sequence change replaces threonine with alanine at codon 336 of the MSH6 protein (p.Thr336Ala). The threonine residue is weakly conserved and there is a small physicochemical difference between threonine and alanine.

NM_000179.3(MSH6):c.1006A>G (p.Thr336Ala)

Gene: MSH6 (mutS homolog 6; plus strand). Cytogenetic location: 2p16.3.
Variant type: single nucleotide variant.
Coding change: c.1006A>G on transcript NM_000179.3 (MANE Select); coding-DNA position 1006, A replaced by G.
Protein change: p.Thr336Ala; replaces threonine 336 with alanine.
Molecular consequence: missense variant.
Genome position (GRCh38, 1-based): chr2:47,798,989, A>G. VCF-style: chr2-47798989-A-G. GRCh37 (hg19) VCF-style: chr2-48026128-A-G.
Other names: c.616A>G, p.Thr206Ala (NM_001281492.2); c.100A>G, p.Thr34Ala (NM_001281493.2, NM_001281494.2); short protein forms T34A, T336A, T206A.
Identifiers: ClinVar variation 1392473 (VCV001392473.10), dbSNP rs1572721235, ClinGen allele CA346741236.